The following is an entry in ClinVar:

ClinVar aggregate classification (germline): Pathogenic (1 of 4 stars; one submission).

Submission:

Labcorp Genetics (formerly Invitae), Labcorp
Classification: Pathogenic. Last evaluated: 2025-08-18. Review status: criteria provided, single submitter. Criteria: Invitae Variant Classification Sherloc (09022015). Collection method: clinical testing. Allele origin: germline.
Comment: This sequence change creates a premature translational stop signal (p.Gln272Glyfs*15) in the MCM3AP gene. It is expected to result in an absent or disrupted protein product. Loss-of-function variants in MCM3AP are known to be pathogenic (PMID: 28633435). This variant is present in population databases (rs765548056, gnomAD 0.0009%). This variant has not been reported in the literature in individuals affected with MCM3AP-related conditions. For these reasons, this variant has been classified as Pathogenic.

Literature cited by the submitters: PubMed 28633435.

NM_003906.5(MCM3AP):c.814_817del (p.Gln272fs)

Gene: MCM3AP (minichromosome maintenance complex component 3 associated protein; minus strand). Cytogenetic location: 21q22.3.
Variant type: Microsatellite.
Coding change: c.814_817del on transcript NM_003906.5 (MANE Select); coding-DNA positions 814 to 817, 4 bases deleted (CAGG; older notation c.814_817delCAGG).
Protein change: p.Gln272fs; shifts the reading frame from glutamine 272.
Molecular consequence: frameshift variant.
Genome position (GRCh38, 1-based): chr21:46,284,470-46,284,473, CCTG deleted on the plus strand (CAGG on the coding strand, the reverse complement: MCM3AP is on the minus strand); deleting any 4 consecutive bases within chr21:46,284,470-46,284,477 gives the same sequence; the c. name uses the placement nearest the transcript's 3' end. VCF-style (leftmost placement, unchanged base first): chr21-46284469-CCCTG-C. GRCh37 (hg19) VCF-style: chr21-47704383-CCCTG-C.
Other names: short protein forms Q272fs.
Identifiers: ClinVar variation 2128651 (VCV002128651.4), dbSNP rs765548056, ClinGen allele CA10077261.
Genomic context (GRCh38, chr21:46,284,469, plus strand): 5'-CTTTTCAGTCCTTTCATTAGGCTGGGAAGTGGTTCCACCTGGGAAACAGCTTCTTCACAC[CCCTG>C]CCTGACACCTGCTTTGCTAGCCTGGAAAGGTTCGCCCAAAACCGCAGATGATACAGGGAA-3'